The following is an entry in ClinVar:

ClinVar aggregate classification (germline): Uncertain significance (1 of 4 stars; one submission).

Conditions:
Inborn genetic diseases. Identifiers: MedGen C0950123, MeSH D030342.

gnomAD v4.1: 6 of 1,585,586 alleles (0.00038%); highest among the groups gnomAD compares: Non-Finnish European, 0.00051%; no homozygotes.

Submission:

Ambry Genetics
Classification: Uncertain significance for Inborn genetic diseases. Last evaluated: 2026-08-17. Review status: criteria provided, single submitter. Criteria: Ambry Variant Classification Scheme 2023. Collection method: clinical testing. Allele origin: germline.
Comment: The c.629T>G (p.L210R) alteration is located in exon 3 (coding exon 3) of the ESPN gene. This alteration results from a T to G substitution at nucleotide position 629, causing the leucine (L) at amino acid position 210 to be replaced by an arginine (R). Based on data from gnomAD, the G allele has an overall frequency of 0.002% (3/200482) total alleles studied. The highest observed frequency was 0.004% (3/85978) of European (non-Finnish) alleles. Based on insufficient or conflicting evidence, the clinical significance of this alteration remains unclear.

NM_031475.3(ESPN):c.629T>G (p.Leu210Arg)

Gene: ESPN (espin; plus strand). Cytogenetic location: 1p36.31.
Variant type: single nucleotide variant.
Coding change: c.629T>G on transcript NM_031475.3 (MANE Select); coding-DNA position 629, T replaced by G.
Protein change: p.Leu210Arg; replaces leucine 210 with arginine.
Molecular consequence: missense variant.
Genome position (GRCh38, 1-based): chr1:6,440,394, T>G. VCF-style: chr1-6440394-T-G. GRCh37 (hg19) VCF-style: chr1-6500454-T-G.
Other names: c.629T>G, p.Leu210Arg (NM_001367473.1, NM_001367474.1); short protein forms L210R.
Identifiers: ClinVar variation 5036130 (VCV005036130.1).